The following is an entry in ClinVar:

NM_006269.2(RP1):c.137C>G (p.Pro46Arg)

Gene: RP1 (RP1 axonemal microtubule associated; plus strand). Cytogenetic location: 8q12.1.
Variant type: single nucleotide variant.
Coding change: c.137C>G on transcript NM_006269.2 (MANE Select); coding-DNA position 137, C replaced by G.
Protein change: p.Pro46Arg; replaces proline 46 with arginine.
Molecular consequence: missense variant.
Genome position (GRCh38, 1-based): chr8:54,621,103, C>G. VCF-style: chr8-54621103-C-G. GRCh37 (hg19) VCF-style: chr8-55533663-C-G.
Other names: c.137C>G (NM_006269.1); c.137C>G, p.Pro46Arg (NM_001375654.1); short protein forms P46R.
Identifiers: ClinVar variation 1514159 (VCV001514159.9), dbSNP rs775031968, ClinGen allele CA4751088.
Genomic context (GRCh38, chr8:54,621,103, plus strand): 5'-ATTTGAGCCTCACTCATCCTGTTGTGGCCAAGCGAATCAGTTTCTACAAGAGCGGAGACC[C>G]CCAATTCGGCGGGGTCAGGGTGGTGGTCAACCCTCGCTCCTTTAAGTCCTTTGATGCTCT-3'
Protein context (NP_006260.1, residues 36-56): KRISFYKSGD[Pro46Arg]QFGGVRVVVN

ClinVar aggregate classification (germline): Uncertain significance. Review status: criteria provided, multiple submitters, no conflicts (2 of 4 stars). 3 submissions from 3 submitters: Uncertain significance (3). Last evaluated 2025-04-12.

Conditions:
Inborn genetic diseases. Identifiers: MedGen C0950123, MeSH D030342.

Allele frequency attached by ClinVar (database versions not stated): gnomAD 0.00001; TOPMed 0.00001; ExAC 0.00002; gnomAD exomes 0.00002 and 0.00006.
gnomAD v4.1: 88 of 1,614,044 alleles (0.0055%); highest among the groups gnomAD compares: Non-Finnish European, 0.007%; 1 homozygote.

Submissions (3):

Ambry Genetics
Classification: Uncertain significance for Inborn genetic diseases. Last evaluated: 2025-04-12. Review status: criteria provided, single submitter. Criteria: Ambry Variant Classification Scheme 2023. Collection method: clinical testing. Allele origin: germline.

Labcorp Genetics (formerly Invitae), Labcorp
Classification: Uncertain significance. Last evaluated: 2024-07-03. Review status: criteria provided, single submitter. Criteria: Invitae Variant Classification Sherloc (09022015). Collection method: clinical testing. Allele origin: germline.
Comment: This sequence change replaces proline, which is neutral and non-polar, with arginine, which is basic and polar, at codon 46 of the RP1 protein (p.Pro46Arg). This variant is present in population databases (rs775031968, gnomAD 0.007%). This variant has not been reported in the literature in individuals affected with RP1-related conditions. ClinVar contains an entry for this variant (Variation ID: 1514159). An algorithm developed to predict the effect of missense changes on protein structure and function (PolyPhen-2) suggests that this variant is likely to be disruptive. In summary, the available evidence is currently insufficient to determine the role of this variant in disease. Therefore, it has been classified as a Variant of Uncertain Significance.

Blueprint Genetics
Classification: Uncertain significance. Last evaluated: 2021-12-27. Review status: criteria provided, single submitter. Criteria: ACMG Guidelines, 2015. Collection method: clinical testing. Allele origin: germline.